The following is an entry in ClinVar:

ClinVar aggregate classification (germline): Uncertain significance (1 of 4 stars; one submission).

Submission:

GeneDx
Classification: Uncertain significance. Last evaluated: 2026-01-30. Review status: criteria provided, single submitter. Criteria: GeneDx Variant Classification Process June 2021. Collection method: clinical testing. Allele origin: germline.
Comment: Not observed at significant frequency in large population cohorts (gnomAD); In silico analysis supports that this missense variant has a deleterious effect on protein structure/function; Has not been previously published as pathogenic or benign to our knowledge

NM_000844.4(GRM7):c.1381G>C (p.Ala461Pro)

Gene: GRM7 (glutamate metabotropic receptor 7; plus strand). Cytogenetic location: 3p26.1.
Variant type: single nucleotide variant.
Coding change: c.1381G>C on transcript NM_000844.4 (MANE Select); coding-DNA position 1381, G replaced by C.
Protein change: p.Ala461Pro; replaces alanine 461 with proline.
Molecular consequence: missense variant.
Genome position (GRCh38, 1-based): chr3:7,461,588, G>C. VCF-style: chr3-7461588-G-C. GRCh37 (hg19) VCF-style: chr3-7503275-G-C.
Other names: c.1381G>C, p.Ala461Pro (NM_181874.3); short protein forms A461P.
Identifiers: ClinVar variation 4975907 (VCV004975907.1).
Genomic context (GRCh38, chr3:7,461,588, plus strand): 5'-GATATAAGGAATCTTGTTTAACTTTAGAATCTTTCATTTTTTCTGTCTTCCTTAGGTAGT[G>C]CTGGCACTCCAGTGATGTTTAACAAGAACGGGGATGCACCTGGGCGTTATGACATCTTTC-3'
Protein context (NP_000835.1, residues 451-471): YIRNVNFNGS[Ala461Pro]GTPVMFNKNG